The following is an entry in ClinVar:

ClinVar aggregate classification (germline): Likely pathogenic (1 of 4 stars; one submission).

Conditions:
CFTR-related disorder (CFTR-RD). Also called: CFTR-related disorders; CFTR-related condition. Identifiers: MedGen C5924204, MONDO:7770004.

Submission:

Natera, Inc.
Classification: Likely pathogenic for CFTR-related disorders. Last evaluated: 2024-05-16. Review status: criteria provided, single submitter. Criteria: Natera Variant Classification Schema (03/2026). Collection method: clinical testing. Allele origin: germline.
Comment: The c.2037G>A variant in CFTR is a nonsense variant predicted to introduce a stop codon at amino acid 679. This variant is expected to result in nonsense mediated decay, truncation, or a dysfunctional protein product. This variant is rare in the general population with a frequency below the threshold expected for the associated phenotype(s). Given the available evidence, this variant is classified as Likely Pathogenic.

NM_000492.4(CFTR):c.2037G>A (p.Trp679Ter)

Gene: CFTR (CF transmembrane conductance regulator; plus strand). Cytogenetic location: 7q31.2.
Variant type: single nucleotide variant.
Coding change: c.2037G>A on transcript NM_000492.4 (MANE Select); coding-DNA position 2037, G replaced by A.
Protein change: p.Trp679Ter; replaces tryptophan 679 with a stop codon.
Molecular consequence: nonsense.
Genome position (GRCh38, 1-based): chr7:117,592,204, G>A. VCF-style: chr7-117592204-G-A. GRCh37 (hg19) VCF-style: chr7-117232258-G-A.
Other names: short protein forms W679*.
Identifiers: ClinVar variation 4818495 (VCV004818495.1).